The following is an entry in ClinVar:

ClinVar aggregate classification (germline): Uncertain significance (1 of 4 stars; one submission).

Conditions:
Autosomal recessive limb-girdle muscular dystrophy type 2L (LGMDR12). Also called: MUSCULAR DYSTROPHY, LIMB-GIRDLE, AUTOSOMAL RECESSIVE 12; Limb-Girdle Muscular Dystrophy R12 Anoctamin-5-Related (LGMD-R12); Limb-girdle muscular dystrophy, type 2L. Identifiers: Orphanet 206549, MedGen C1969785, MONDO:0012652, OMIM 611307.
Gnathodiaphyseal dysplasia (GDD). Also called: GNATHODIAPHYSEAL SCLEROSIS; OSTEOGENESIS IMPERFECTA WITH UNUSUAL SKELETAL LESIONS. Identifiers: Orphanet 53697, MedGen C1833736, MONDO:0008151, OMIM 166260.

gnomAD v4.1: 1 of 1,613,174 alleles (0.000062%); highest among the groups gnomAD compares: Non-Finnish European, 0.000085%; no homozygotes.

Submission:

Labcorp Genetics (formerly Invitae), Labcorp
Classification: Uncertain significance for Autosomal recessive limb-girdle muscular dystrophy type 2L; Gnathodiaphyseal dysplasia. Last evaluated: 2020-07-09. Review status: criteria provided, single submitter. Criteria: Invitae Variant Classification Sherloc (09022015). Collection method: clinical testing. Allele origin: germline.
Comment: In summary, the available evidence is currently insufficient to determine the role of this variant in disease. Therefore, it has been classified as a Variant of Uncertain Significance. Algorithms developed to predict the effect of missense changes on protein structure and function are either unavailable or do not agree on the potential impact of this missense change (SIFT: "Deleterious"; PolyPhen-2: "Probably Damaging"; Align-GVGD: "Class C15"). This variant has not been reported in the literature in individuals with ANO5-related conditions. This variant is not present in population databases (ExAC no frequency). This sequence change replaces serine with tyrosine at codon 243 of the ANO5 protein (p.Ser243Tyr). The serine residue is weakly conserved and there is a large physicochemical difference between serine and tyrosine.

NM_213599.3(ANO5):c.728C>A (p.Ser243Tyr)

Gene: ANO5 (anoctamin 5; plus strand). Cytogenetic location: 11p14.3.
Variant type: single nucleotide variant.
Coding change: c.728C>A on transcript NM_213599.3 (MANE Select); coding-DNA position 728, C replaced by A.
Protein change: p.Ser243Tyr; replaces serine 243 with tyrosine.
Molecular consequence: missense variant.
Genome position (GRCh38, 1-based): chr11:22,236,242, C>A. VCF-style: chr11-22236242-C-A. GRCh37 (hg19) VCF-style: chr11-22257788-C-A.
Other names: c.725C>A, p.Ser242Tyr (NM_001142649.2); short protein forms S242Y, S243Y.
Identifiers: ClinVar variation 999438 (VCV000999438.9), dbSNP rs1853214556, ClinGen allele CA379920284.